The following is an entry in ClinVar:

NM_001845.6(COL4A1):c.1730G>T (p.Gly577Val)

Gene: COL4A1 (collagen type IV alpha 1 chain; minus strand). Cytogenetic location: 13q34.
Variant type: single nucleotide variant.
Coding change: c.1730G>T on transcript NM_001845.6 (MANE Select); coding-DNA position 1730, G replaced by T.
Protein change: p.Gly577Val; replaces glycine 577 with valine.
Molecular consequence: missense variant.
Genome position (GRCh38, 1-based): chr13:110,186,552, C>A on the plus strand (G>T on the coding strand, the complement: COL4A1 is on the minus strand). VCF-style: chr13-110186552-C-A. GRCh37 (hg19) VCF-style: chr13-110838899-C-A.
Other names: short protein forms G577V.
Identifiers: ClinVar variation 2150881 (VCV002150881.5), dbSNP rs780492563, ClinGen allele CA7047838.
Genomic context (GRCh38, chr13:110,186,552, plus strand): 5'-CGACTGCCTGGGAATCCAACTCCTCCAGGGGGGCCACGCTCTCCTTTCAATCCTACAGAA[C>A]CCTGATGTGAGAAGAAGAAAAAGACACCGTTATCAGAGACACACCAACACCCTGTCCTTA-3'
Protein context (NP_001836.3, residues 567-587): PGLPGPKGSP[Gly577Val]SVGLKGERGP

ClinVar aggregate classification (germline): Likely pathogenic. Review status: criteria provided, multiple submitters, no conflicts (2 of 4 stars). 2 submissions from 2 submitters: Likely pathogenic (2). Last evaluated 2023-12-29.

Conditions:
Microangiopathy and leukoencephalopathy, pontine, autosomal dominant. Also called: Pontine autosomal dominant microangiopathy with leukoencephalopathy; DEMENTIA, HEREDITARY MULTI-INFARCT, SWEDISH TYPE. Identifiers: Orphanet 477749, MedGen C5231411, MONDO:0032814, OMIM 618564.
Retinal arterial tortuosity. Also called: Retinal arteries, tortuosity of; RETINAL HEMORRHAGE WITH VASCULAR TORTUOSITY. Identifiers: Orphanet 75326, MedGen C0423401, MONDO:0008373, OMIM 180000, HP:0000631.
Autosomal dominant familial hematuria-retinal arteriolar tortuosity-contractures syndrome. Also called: Hereditary Angiopathy with Nephropathy, Aneurysms, and Muscle Cramps (HANAC) Syndrome; Angiopathy, hereditary, with nephropathy, aneurysms, and muscle cramps. Identifiers: Orphanet 73229, MedGen C2673195, MONDO:0012726, OMIM 611773.
Brain small vessel disease 1 with or without ocular anomalies (BSVD1). Also called: PORENCEPHALY, TYPE 1, AUTOSOMAL DOMINANT; GOULD SYNDROME 1; Brain small vessel disease with or without ocular anomalies; BRAIN SMALL VESSEL DISEASE WITH HEMORRHAGE. Identifiers: Orphanet 2940, Orphanet 36383, Orphanet 99810, MedGen C4755307, MONDO:0008289, OMIM 175780.
Hemorrhage, intracerebral, susceptibility to (ICH). Also called: Stroke, hemorrhagic, susceptibility to. Identifiers: MedGen C3281105, MONDO:0100533, OMIM 614519.

Allele frequency attached by ClinVar (database versions not stated): TOPMed below 0.00001; ExAC 0.00001; gnomAD exomes 0.00001.
gnomAD v4.1: 3 of 1,613,974 alleles (0.00019%); highest among the groups gnomAD compares: Admixed American, 0.005%; no homozygotes.

Submissions (2):

Fulgent Genetics
Classification: Likely pathogenic for Brain small vessel disease 1 with or without ocular anomalies; Retinal arterial tortuosity; Autosomal dominant familial hematuria-retinal arteriolar tortuosity-contractures syndrome; Hemorrhage, intracerebral, susceptibility to; Microangiopathy and leukoencephalopathy, pontine, autosomal dominant. Last evaluated: 2023-12-29. Review status: criteria provided, single submitter. Criteria: ACMG Guidelines, 2015. Collection method: clinical testing. Allele origin: germline.

Labcorp Genetics (formerly Invitae), Labcorp
Classification: Likely pathogenic. Last evaluated: 2023-12-27. Review status: criteria provided, single submitter. Criteria: Invitae Variant Classification Sherloc (09022015). Collection method: clinical testing. Allele origin: germline.
Comment: This sequence change replaces glycine, which is neutral and non-polar, with valine, which is neutral and non-polar, at codon 577 of the COL4A1 protein (p.Gly577Val). This variant is present in population databases (rs780492563, gnomAD 0.006%). This variant has not been reported in the literature in individuals affected with COL4A1-related conditions. ClinVar contains an entry for this variant (Variation ID: 2150881). An algorithm developed to predict the effect of missense changes on protein structure and function (PolyPhen-2) suggests that this variant is likely to be tolerated. This variant disrupts the triple helix domain of COL4A1. Glycine residues within the Gly-Xaa-Yaa repeats of the triple helix domain are required for the structure and stability of fibrillar collagens (PMID: 7695699, 8218237, 19344236). In COL4A1 variants affecting these glycine residues are significantly enriched in individuals with disease (PMID: 9016532, 17078022) compared to the general population (ExAC). In summary, the currently available evidence indicates that the variant is pathogenic, but additional data are needed to prove that conclusively. Therefore, this variant has been classified as Likely Pathogenic.

Literature cited by the submitters: PubMed 7695699 (cited by Labcorp Genetics (formerly Invitae), Labcorp); PubMed 8218237 (cited by Labcorp Genetics (formerly Invitae), Labcorp); PubMed 19344236 (cited by Labcorp Genetics (formerly Invitae), Labcorp); PubMed 9016532 (cited by Labcorp Genetics (formerly Invitae), Labcorp); PubMed 17078022 (cited by Labcorp Genetics (formerly Invitae), Labcorp).